The following is an entry in ClinVar:

NM_000557.5(GDF5):c.361A>T (p.Thr121Ser)

Gene: GDF5 (growth differentiation factor 5; minus strand). Cytogenetic location: 20q11.22.
Variant type: single nucleotide variant.
Coding change: c.361A>T on transcript NM_000557.5 (MANE Select); coding-DNA position 361, A replaced by T.
Protein change: p.Thr121Ser; replaces threonine 121 with serine.
Molecular consequence: missense variant.
Genome position (GRCh38, 1-based): chr20:35,437,568, T>A on the plus strand (A>T on the coding strand, the complement: GDF5 is on the minus strand). VCF-style: chr20-35437568-T-A. GRCh37 (hg19) VCF-style: chr20-34025348-T-A.
Other names: c.361A>T, p.Thr121Ser (NM_001319138.2); short protein forms T121S.
Identifiers: ClinVar variation 3619188 (VCV003619188.2).
Genomic context (GRCh38, chr20:35,437,568, plus strand): 5'-GGACAGATCCTGCTTTTGGGGGTGCCTTGCCTCCGGGAAGCTGTCCTTTTGGGGTCACAG[T>A]CCGGGCTGTAGCCTGCCTTGTTTGGGGAGGGTGTCCTGGCTTGGGTTCAGGGCCGCCCGG-3'
Protein context (NP_000548.2, residues 111-131): PPQTRQATAR[Thr121Ser]VTPKGQLPGG

ClinVar aggregate classification (germline): Uncertain significance (1 of 4 stars; one submission).

Submission:

Labcorp Genetics (formerly Invitae), Labcorp
Classification: Uncertain significance. Last evaluated: 2025-01-30. Review status: criteria provided, single submitter. Criteria: Invitae Variant Classification Sherloc (09022015). Collection method: clinical testing. Allele origin: germline.
Comment: This sequence change replaces threonine, which is neutral and polar, with serine, which is neutral and polar, at codon 121 of the GDF5 protein (p.Thr121Ser). This variant is present in population databases (rs779681315, gnomAD 0.009%). This variant has not been reported in the literature in individuals affected with GDF5-related conditions. An algorithm developed to predict the effect of missense changes on protein structure and function (PolyPhen-2) suggests that this variant is likely to be disruptive. In summary, the available evidence is currently insufficient to determine the role of this variant in disease. Therefore, it has been classified as a Variant of Uncertain Significance.